The following is an entry in ClinVar:

NM_080916.3(DGUOK):c.182C>T (p.Thr61Ile)

Gene: DGUOK (deoxyguanosine kinase; plus strand). Cytogenetic location: 2p13.1.
Variant type: single nucleotide variant.
Coding change: c.182C>T on transcript NM_080916.3 (MANE Select); coding-DNA position 182, C replaced by T.
Protein change: p.Thr61Ile; replaces threonine 61 with isoleucine.
Molecular consequence: missense variant. On other transcripts: intron variant (4).
Genome position (GRCh38, 1-based): chr2:73,938,949, C>T. VCF-style: chr2-73938949-C-T. GRCh37 (hg19) VCF-style: chr2-74166076-C-T.
Other names: c.182C>T, p.Thr61Ile (NM_001318859.2, NM_080918.3); c.-37+6266C>T (NM_001318861.2, NM_001318862.2); c.-36-7770C>T (NM_001318860.2, NM_001318863.2); short protein forms T61I.
Identifiers: ClinVar variation 4082995 (VCV004082995.1).

ClinVar aggregate classification (germline): Uncertain significance (1 of 4 stars; one submission).

gnomAD v4.1: 1 of 1,614,080 alleles (0.000062%); highest among the groups gnomAD compares: Admixed American, 0.0017%; no homozygotes.

Submission:

GeneDx
Classification: Uncertain significance. Last evaluated: 2025-03-07. Review status: criteria provided, single submitter. Criteria: GeneDx Variant Classification Process June 2021. Collection method: clinical testing. Allele origin: germline. Affected: yes.
Comment: Not observed at significant frequency in large population cohorts (gnomAD); In silico analysis indicates that this missense variant does not alter protein structure/function; Has not been previously published as pathogenic or benign to our knowledge